The following is an entry in ClinVar:

NM_032447.5(FBN3):c.4036C>T (p.Arg1346Cys)

Gene: FBN3 (fibrillin 3; minus strand). Cytogenetic location: 19p13.2.
Variant type: single nucleotide variant.
Coding change: c.4036C>T on transcript NM_032447.5 (MANE Select); coding-DNA position 4036, C replaced by T.
Protein change: p.Arg1346Cys; replaces arginine 1346 with cysteine.
Molecular consequence: missense variant.
Genome position (GRCh38, 1-based): chr19:8,111,696, G>A on the plus strand (C>T on the coding strand, the complement: FBN3 is on the minus strand). VCF-style: chr19-8111696-G-A. GRCh37 (hg19) VCF-style: chr19-8176580-G-A.
Other names: c.4036C>T, p.Arg1346Cys (NM_001321431.2); short protein forms R1346C.
Identifiers: ClinVar variation 1902337 (VCV001902337.5), dbSNP rs749453532, ClinGen allele CA9152223.

ClinVar aggregate classification (germline): Uncertain significance (1 of 4 stars; one submission).

Allele frequency attached by ClinVar (database versions not stated): gnomAD exomes below 0.00001; ExAC 0.00001.
gnomAD v4.1: 3 of 1,600,536 alleles (0.00019%); highest among the groups gnomAD compares: Admixed American, 0.0017%; no homozygotes.

Submission:

Labcorp Genetics (formerly Invitae), Labcorp
Classification: Uncertain significance. Last evaluated: 2022-06-12. Review status: criteria provided, single submitter. Criteria: Invitae Variant Classification Sherloc (09022015). Collection method: clinical testing. Allele origin: germline.
Comment: In summary, the available evidence is currently insufficient to determine the role of this variant in disease. Therefore, it has been classified as a Variant of Uncertain Significance. Algorithms developed to predict the effect of missense changes on protein structure and function are either unavailable or do not agree on the potential impact of this missense change (SIFT: "Not Available"; PolyPhen-2: "Probably Damaging"; Align-GVGD: "Not Available"). This variant has not been reported in the literature in individuals affected with FBN3-related conditions. This variant is present in population databases (rs749453532, gnomAD 0.003%). This sequence change replaces arginine, which is basic and polar, with cysteine, which is neutral and slightly polar, at codon 1346 of the FBN3 protein (p.Arg1346Cys).